The following is an entry in ClinVar:

ClinVar aggregate classification (germline): Likely benign. Review status: criteria provided, multiple submitters, no conflicts (2 of 4 stars). 5 submissions from 5 submitters: Likely benign (5). Last evaluated 2025-12-22.

Conditions:
Dilated cardiomyopathy 1G (CMD1G). Identifiers: Orphanet 154, MedGen C1858763, MONDO:0011400, OMIM 604145.
Autosomal recessive limb-girdle muscular dystrophy type 2J (LGMDR10). Also called: Limb-girdle muscular dystrophy, type 2J; MUSCULAR DYSTROPHY, LIMB-GIRDLE, AUTOSOMAL RECESSIVE 10. Identifiers: Orphanet 140922, MedGen C1837342, MONDO:0012127, OMIM 608807.
Cardiovascular phenotype. Identifiers: MedGen CN230736.

Allele frequency attached by ClinVar (database versions not stated): gnomAD exomes 0.00001 and 0.00002; gnomAD 0.00002 and 0.00003; TOPMed 0.00002.
gnomAD v4.1: 32 of 1,612,980 alleles (0.002%); highest among the groups gnomAD compares: Non-Finnish European, 0.0026%; no homozygotes.

Submissions (5):

Labcorp Genetics (formerly Invitae), Labcorp
Classification: Likely benign for Dilated cardiomyopathy 1G; Autosomal recessive limb-girdle muscular dystrophy type 2J. Last evaluated: 2025-12-22. Review status: criteria provided, single submitter. Criteria: Invitae Variant Classification Sherloc (09022015). Collection method: clinical testing. Allele origin: germline.

Molecular Diagnostic Laboratory for Inherited Cardiovascular Disease, Montreal Heart Institute
Classification: Likely benign. Last evaluated: 2025-04-09. Review status: criteria provided, single submitter. Criteria: ACMG Guidelines, 2015. Collection method: clinical testing. Allele origin: germline. Affected: no.
Comment: BP6;BP7

Blueprint Genetics
Classification: Likely benign. Last evaluated: 2024-10-02. Review status: criteria provided, single submitter. Criteria: ACMG Guidelines, 2015. Collection method: clinical testing. Allele origin: germline.

Ambry Genetics
Classification: Likely benign for Cardiovascular phenotype. Last evaluated: 2023-11-08. Review status: criteria provided, single submitter. Criteria: Ambry Variant Classification Scheme 2023. Collection method: clinical testing. Allele origin: germline.

GeneDx
Classification: Likely benign. Last evaluated: 2017-02-22. Review status: criteria provided, single submitter. Criteria: GeneDx Variant Classification (06012015). Collection method: clinical testing. Allele origin: germline. Affected: yes.
Comment: This variant is considered likely benign or benign based on one or more of the following criteria: it is a conservative change, it occurs at a poorly conserved position in the protein, it is predicted to be benign by multiple in silico algorithms, and/or has population frequency not consistent with disease.

NM_001267550.2(TTN):c.73449G>T (p.Leu24483=)

Genes: TTN (titin; minus strand), TTN-AS1 (TTN antisense RNA 1; plus strand). Cytogenetic location: 2q31.2.
Variant type: single nucleotide variant.
Coding change: c.73449G>T on transcript NM_001267550.2 (MANE Select); coding-DNA position 73449, G replaced by T.
Protein change: p.Leu24483=; no amino-acid change (leucine 24483 retained).
Molecular consequence: synonymous variant.
Genome position (GRCh38, 1-based): chr2:178,572,683, C>A on the plus strand (G>T on the coding strand, the complement: TTN is on the minus strand). VCF-style: chr2-178572683-C-A. GRCh37 (hg19) VCF-style: chr2-179437410-C-A.
Other names: c.68526G>T, p.Leu22842= (NM_001256850.1); c.46254G>T, p.Leu15418= (NM_003319.4); c.65745G>T, p.Leu21915= (NM_133378.4); c.46629G>T, p.Leu15543= (NM_133432.3); c.46830G>T, p.Leu15610= (NM_133437.4).
Identifiers: ClinVar variation 507663 (VCV000507663.13), dbSNP rs1359097374, ClinGen allele CA430256267.